The following is an entry in ClinVar:

ClinVar aggregate classification (germline): Uncertain significance (1 of 4 stars; one submission).

Conditions:
Nephronophthisis 15 (NPHP15). Identifiers: Orphanet 3156, MedGen C3541853, MONDO:0013917, OMIM 614845.

Submission:

Labcorp Genetics (formerly Invitae), Labcorp
Classification: Uncertain significance for Nephronophthisis 15. Last evaluated: 2022-06-09. Review status: criteria provided, single submitter. Criteria: Invitae Variant Classification Sherloc (09022015). Collection method: clinical testing. Allele origin: germline.
Comment: In summary, the available evidence is currently insufficient to determine the role of this variant in disease. Therefore, it has been classified as a Variant of Uncertain Significance. Algorithms developed to predict the effect of missense changes on protein structure and function are either unavailable or do not agree on the potential impact of this missense change (SIFT: "Deleterious"; PolyPhen-2: "Probably Damaging"; Align-GVGD: "Class C15"). This variant has not been reported in the literature in individuals affected with CEP164-related conditions. This variant is not present in population databases (gnomAD no frequency). This sequence change replaces histidine, which is basic and polar, with glutamine, which is neutral and polar, at codon 858 of the CEP164 protein (p.His858Gln).

NM_014956.5(CEP164):c.2574C>A (p.His858Gln)

Gene: CEP164 (centrosomal protein 164; plus strand). Cytogenetic location: 11q23.3.
Variant type: single nucleotide variant.
Coding change: c.2574C>A on transcript NM_014956.5 (MANE Select); coding-DNA position 2574, C replaced by A.
Protein change: p.His858Gln; replaces histidine 858 with glutamine.
Molecular consequence: missense variant.
Genome position (GRCh38, 1-based): chr11:117,393,084, C>A. VCF-style: chr11-117393084-C-A. GRCh37 (hg19) VCF-style: chr11-117263800-C-A.
Other names: c.2583C>A, p.His861Gln (NM_001271933.2); short protein forms H858Q, H861Q.
Identifiers: ClinVar variation 2001252 (VCV002001252.4), dbSNP rs1565582688, ClinGen allele CA382726566.
Genomic context (GRCh38, chr11:117,393,084, plus strand): 5'-GAAGCGCCAGGAAGTGGAAGGGGAGCATGAGAGGAGGTTGGACAAGATGAAGGAGGAGCA[C>A]CAGCAAGTGATGGCTAAGGCCAGAGAGCAGTATGAAGCTGAGGTAGCTCAGCCACATCCC-3'
Protein context (NP_055771.4, residues 848-868): ERRLDKMKEE[His858Gln]QQVMAKAREQ